The following is an entry in ClinVar:

ClinVar aggregate classification (germline): Uncertain significance (1 of 4 stars; one submission).

Conditions:
Facioscapulohumeral muscular dystrophy 2 (FSHD2). Also called: FACIOSCAPULOHUMERAL MUSCULAR DYSTROPHY 2, DIGENIC; FSHD2, DIGENIC; MUSCULAR DYSTROPHY, FACIOSCAPULOHUMERAL, TYPE 1B. Identifiers: Orphanet 269, MedGen C1834671, MONDO:0008031, OMIM 158901.

Submission:

Labcorp Genetics (formerly Invitae), Labcorp
Classification: Uncertain significance for Facioscapulohumeral muscular dystrophy 2. Last evaluated: 2022-05-26. Review status: criteria provided, single submitter. Criteria: Invitae Variant Classification Sherloc (09022015). Collection method: clinical testing. Allele origin: germline.
Comment: This variant is a gross deletion of the genomic region encompassing exon(s) 35-48 of the SMCHD1 gene, which includes the termination codon. This deletion extends beyond the assayed region for this gene and therefore may encompass additional genes. While this deletion is not anticipated to lead to nonsense mediated decay, it is expected to alter mRNA translation or result in a truncated protein product. This variant has not been reported in the literature in individuals affected with SMCHD1-related conditions. Experimental studies and prediction algorithms are not available or were not evaluated, and the functional significance of this variant is currently unknown. In summary, the available evidence is currently insufficient to determine the role of this variant in disease. Therefore, it has been classified as a Variant of Uncertain Significance.

NC_000018.9:g.(?_2760630)_(2802550_?)del

Gene: SMCHD1 (structural maintenance of chromosomes flexible hinge domain containing 1; plus strand). Cytogenetic location: 18p11.32.
Variant type: Deletion.
Identifiers: ClinVar variation 2426133 (VCV002426133.4).